The following is an entry in ClinVar:

ClinVar aggregate classification (germline): Uncertain significance. Review status: criteria provided, multiple submitters, no conflicts (2 of 4 stars). 3 submissions from 3 submitters: Uncertain significance (3). Last evaluated 2024-04-26.

Conditions:
Inborn genetic diseases. Identifiers: MedGen C0950123, MeSH D030342.
Eichsfeld type congenital muscular dystrophy (CMYO3). Also called: MYOPATHY, SEPN1-RELATED; SELENON-related myopathy; Congenital myopathy 3 with rigid spine; Rigid spine muscular dystrophy 1. Identifiers: MedGen C0410180, MONDO:0100100, OMIM 602771.

Allele frequency attached by ClinVar (database versions not stated): gnomAD exomes 0.00006; ExAC 0.00007; gnomAD 0.00008 and 0.00009; TOPMed 0.00011.
gnomAD v4.1: 32 of 1,613,986 alleles (0.002%); highest among the groups gnomAD compares: African/African-American, 0.019%; no homozygotes.

Submissions (3):

Ambry Genetics
Classification: Uncertain significance for Inborn genetic diseases. Last evaluated: 2024-04-26. Review status: criteria provided, single submitter. Criteria: Ambry Variant Classification Scheme 2023. Collection method: clinical testing. Allele origin: germline.

Labcorp Genetics (formerly Invitae), Labcorp
Classification: Uncertain significance for Eichsfeld type congenital muscular dystrophy. Last evaluated: 2023-07-07. Review status: criteria provided, single submitter. Criteria: Invitae Variant Classification Sherloc (09022015). Collection method: clinical testing. Allele origin: germline.
Comment: In summary, the available evidence is currently insufficient to determine the role of this variant in disease. Therefore, it has been classified as a Variant of Uncertain Significance. Algorithms developed to predict the effect of sequence changes on RNA splicing suggest that this variant may create or strengthen a splice site. Advanced modeling of protein sequence and biophysical properties (such as structural, functional, and spatial information, amino acid conservation, physicochemical variation, residue mobility, and thermodynamic stability) performed at Invitae indicates that this missense variant is not expected to disrupt SELENON protein function. ClinVar contains an entry for this variant (Variation ID: 859029). This variant has not been reported in the literature in individuals affected with SELENON-related conditions. This variant is present in population databases (rs766798515, gnomAD 0.03%). This sequence change replaces serine, which is neutral and polar, with leucine, which is neutral and non-polar, at codon 506 of the SELENON protein (p.Ser506Leu).

GeneDx
Classification: Uncertain significance. Last evaluated: 2022-06-01. Review status: criteria provided, single submitter. Criteria: GeneDx Variant Classification Process June 2021. Collection method: clinical testing. Allele origin: germline. Affected: yes.
Comment: In silico analysis supports that this missense variant does not alter protein structure/function; Has not been previously published as pathogenic or benign to our knowledge; In silico analysis suggests this variant may impact gene splicing. In the absence of RNA/functional studies, the actual effect of this sequence change is unknown

NM_206926.2(SELENON):c.1415C>T (p.Ser472Leu)

Gene: SELENON (selenoprotein N; plus strand). Cytogenetic location: 1p36.11.
Variant type: single nucleotide variant.
Coding change: c.1415C>T on transcript NM_206926.2 (MANE Select); coding-DNA position 1415, C replaced by T.
Protein change: p.Ser472Leu; replaces serine 472 with leucine.
Molecular consequence: missense variant.
Genome position (GRCh38, 1-based): chr1:25,814,093, C>T. VCF-style: chr1-25814093-C-T. GRCh37 (hg19) VCF-style: chr1-26140584-C-T.
Other names: c.1517C>T, p.Ser506Leu (NM_020451.3); short protein forms S472L, S506L.
Identifiers: ClinVar variation 859029 (VCV000859029.8), dbSNP rs766798515, ClinGen allele CA696910.